The following is an entry in ClinVar:

ClinVar aggregate classification (germline): Uncertain significance. Review status: criteria provided, multiple submitters, no conflicts (2 of 4 stars). 2 submissions from 2 submitters: Uncertain significance (2). Last evaluated 2023-09-13.

Conditions:
Autosomal recessive nonsyndromic hearing loss 3. Also called: NEUROSENSORY NONSYNDROMIC RECESSIVE DEAFNESS 3. Identifiers: Orphanet 90636, MedGen C1838263, MONDO:0010860, OMIM 600316.

gnomAD v4.1: 6 of 1,613,646 alleles (0.00037%); highest among the groups gnomAD compares: Non-Finnish European, 0.00051%; no homozygotes.

Submissions (2):

GeneDx
Classification: Uncertain significance. Last evaluated: 2023-09-13. Review status: criteria provided, single submitter. Criteria: GeneDx Variant Classification Process June 2021. Collection method: clinical testing. Allele origin: germline. Affected: yes.
Comment: Not observed at significant frequency in large population cohorts (gnomAD); In silico analysis supports that this missense variant does not alter protein structure/function; Has not been previously published as pathogenic or benign to our knowledge

Illumina Laboratory Services, Illumina
Classification: Uncertain significance for Autosomal recessive nonsyndromic hearing loss 3. Last evaluated: 2017-04-27. Review status: criteria provided, single submitter. Criteria: ICSL Variant Classification Criteria 13 December 2019. Collection method: clinical testing. Allele origin: germline.

NM_016239.4(MYO15A):c.8054A>G (p.Gln2685Arg)

Gene: MYO15A (myosin XVA; plus strand). Cytogenetic location: 17p11.2.
Variant type: single nucleotide variant.
Coding change: c.8054A>G on transcript NM_016239.4 (MANE Select); coding-DNA position 8054, A replaced by G.
Protein change: p.Gln2685Arg; replaces glutamine 2685 with arginine.
Molecular consequence: missense variant.
Genome position (GRCh38, 1-based): chr17:18,153,862, A>G. VCF-style: chr17-18153862-A-G. GRCh37 (hg19) VCF-style: chr17-18057176-A-G.
Other names: short protein forms Q2685R.
Identifiers: ClinVar variation 889945 (VCV000889945.5), dbSNP rs965967475, ClinGen allele CA398624657.